The following is an entry in ClinVar:

NM_194248.3(OTOF):c.2407-10_2407-9delinsAA

Gene: OTOF (otoferlin; minus strand). Cytogenetic location: 2p23.3.
Variant type: Indel.
Coding change: c.2407-10_2407-9delinsAA on transcript NM_194248.3 (MANE Select); 10 bases into the intron before coding-DNA position 2407 through 9 bases into the intron before coding-DNA position 2407, TC replaced by AA.
Molecular consequence: intron variant.
Genome position (GRCh38, 1-based): chr2:26,477,297-26,477,298, GA replaced by TT on the plus strand (TC replaced by AA on the coding strand, the reverse complement: OTOF is on the minus strand). VCF-style: chr2-26477297-GA-TT. GRCh37 (hg19) VCF-style: chr2-26700165-GA-TT.
Other names: c.2407-10_2407-9delinsAA (NM_001287489.2); c.166-10_166-9delinsAA (NM_194323.3, NM_004802.4); c.337-10_337-9delinsAA (NM_194322.3).
Identifiers: ClinVar variation 1205131 (VCV001205131.6), dbSNP rs2148051425, ClinGen allele CA2499215833.
Genomic context (GRCh38, chr2:26,477,297, plus strand): 5'-TGTGCCGCTTCACCTGGGCCCGCAGCATCCTGGCCTGCTGCCCCATGTTTTCCTGCGAAG[GA>TT]GGGGGTGTCAGTGAACCCAGCAACTGGGGGACAGCTCGGGCCATGACAAAGGGGGTTGTG-3'

ClinVar aggregate classification (germline): Uncertain significance. Review status: criteria provided, multiple submitters, no conflicts (2 of 4 stars). 2 submissions from 2 submitters: Uncertain significance (2). Last evaluated 2025-02-06.

Submissions (2):

GeneDx
Classification: Uncertain significance. Last evaluated: 2025-02-06. Review status: criteria provided, single submitter. Criteria: GeneDx Variant Classification Process June 2021. Collection method: clinical testing. Allele origin: germline. Affected: yes.
Comment: Has not been previously published as pathogenic or benign to our knowledge; In silico analysis is inconclusive as to whether the variant alters gene splicing. In the absence of RNA/functional studies, the actual effect of this sequence change is unknown

Labcorp Genetics (formerly Invitae), Labcorp
Classification: Uncertain significance. Last evaluated: 2022-07-19. Review status: criteria provided, single submitter. Criteria: Invitae Variant Classification Sherloc (09022015). Collection method: clinical testing. Allele origin: germline.
Comment: This sequence change falls in intron 20 of the OTOF gene. It does not directly change the encoded amino acid sequence of the OTOF protein. Information on the frequency of this variant in the gnomAD database is not available, as this variant may be reported differently in the database. This variant has not been reported in the literature in individuals affected with OTOF-related conditions. ClinVar contains an entry for this variant (Variation ID: 1205131). Algorithms developed to predict the effect of sequence changes on RNA splicing suggest that this variant may disrupt the consensus splice site. In summary, the available evidence is currently insufficient to determine the role of this variant in disease. Therefore, it has been classified as a Variant of Uncertain Significance.